The following is an entry in ClinVar:

NM_000540.3(RYR1):c.6883C>G (p.Leu2295Val)

Gene: RYR1 (ryanodine receptor 1; plus strand). Cytogenetic location: 19q13.2.
Variant type: single nucleotide variant.
Coding change: c.6883C>G on transcript NM_000540.3 (MANE Select); coding-DNA position 6883, C replaced by G.
Protein change: p.Leu2295Val; replaces leucine 2295 with valine.
Molecular consequence: missense variant.
Genome position (GRCh38, 1-based): chr19:38,496,946, C>G. VCF-style: chr19-38496946-C-G. GRCh37 (hg19) VCF-style: chr19-38987586-C-G.
Other names: c.6883C>G, p.Leu2295Val (NM_001042723.2); short protein forms L2295V.
Identifiers: ClinVar variation 3339763 (VCV003339763.3).

ClinVar aggregate classification (germline): Uncertain significance. Review status: criteria provided, multiple submitters, no conflicts (2 of 4 stars). 3 submissions from 3 submitters: Uncertain significance (3). Last evaluated 2025-05-04.

Conditions:
Inborn genetic diseases. Identifiers: MedGen C0950123, MeSH D030342.

Submissions (3):

Revvity Omics, Revvity
Classification: Uncertain significance. Last evaluated: 2025-05-04. Review status: criteria provided, single submitter. Criteria: ACMG Guidelines, 2015. Collection method: clinical testing. Allele origin: germline.

Ambry Genetics
Classification: Uncertain significance for Inborn genetic diseases. Last evaluated: 2024-12-06. Review status: criteria provided, single submitter. Criteria: Ambry Variant Classification Scheme 2023. Collection method: clinical testing. Allele origin: germline.

Women's Health and Genetics/Laboratory Corporation of America, LabCorp
Classification: Uncertain significance. Last evaluated: 2024-06-03. Review status: criteria provided, single submitter. Criteria: LabCorp Variant Classification Summary - May 2015. Collection method: clinical testing. Allele origin: germline.
Comment: Variant summary: RYR1 c.6883C>G (p.Leu2295Val) results in a conservative amino acid change located in the RIH domain (IPR000699) of the encoded protein sequence. Four of five in-silico tools predict a damaging effect of the variant on protein function. The variant allele was found at a frequency of 1.6e-05 in 249940 control chromosomes. The available data on variant occurrences in the general population are insufficient to allow any conclusion about variant significance. To our knowledge, no occurrence of c.6883C>G in individuals affected with Myopathy, RYR1-Associated and no experimental evidence demonstrating its impact on protein function have been reported. No submitters have cited clinical-significance assessments for this variant to ClinVar. Based on the evidence outlined above, the variant was classified as uncertain significance.